The following is an entry in ClinVar:

NM_000407.5(GP1BB):c.251C>A (p.Ala84Glu)

Genes: GP1BB (glycoprotein Ib platelet subunit beta; plus strand), SEPT5-GP1BB (SEPT5-GP1BB readthrough; plus strand). Cytogenetic location: 22q11.21.
Variant type: single nucleotide variant.
Coding change: c.251C>A on transcript NM_000407.5 (MANE Select); coding-DNA position 251, C replaced by A.
Protein change: p.Ala84Glu; replaces alanine 84 with glutamic acid.
Molecular consequence: missense variant. On other transcripts: non-coding transcript variant (2).
Genome position (GRCh38, 1-based): chr22:19,724,094, C>A. VCF-style: chr22-19724094-C-A. GRCh37 (hg19) VCF-style: chr22-19711617-C-A.
Other names: p.Ala84Glu; short protein forms A84E.
Identifiers: ClinVar variation 4542429 (VCV004542429.1).

ClinVar aggregate classification (germline): Uncertain significance (1 of 4 stars; one submission).

Submission:

Mayo Clinic Laboratories, Mayo Clinic
Classification: Uncertain significance. Last evaluated: 2025-01-15. Review status: criteria provided, single submitter. Criteria: ACMG Guidelines, 2015. Collection method: clinical testing. Allele origin: germline. Observed: 1 variant allele.
Comment: PP3, PM2_supporting